The following is an entry in ClinVar:

NM_033056.4(PCDH15):c.5566G>A (p.Glu1856Lys)

Gene: PCDH15 (protocadherin related 15; minus strand). Cytogenetic location: 10q21.1.
Variant type: single nucleotide variant.
Coding change: c.5566G>A on transcript NM_033056.4 (MANE Plus Clinical); coding-DNA position 5566, G replaced by A.
Protein change: p.Glu1856Lys; replaces glutamic acid 1856 with lysine.
Molecular consequence: missense variant. On other transcripts: intron variant (8).
Genome position (GRCh38, 1-based): chr10:53,822,160, C>T on the plus strand (G>A on the coding strand, the complement: PCDH15 is on the minus strand). VCF-style: chr10-53822160-C-T. GRCh37 (hg19) VCF-style: chr10-55581920-C-T.
Other names: c.5587G>A, p.Glu1863Lys (NM_001142763.2); c.5572G>A, p.Glu1858Lys (NM_001142764.2); c.5359G>A, p.Glu1787Lys (NM_001142765.2); c.5557G>A, p.Glu1853Lys (NM_001142766.2); c.5446G>A, p.Glu1816Lys (NM_001142767.2); c.5506G>A, p.Glu1836Lys (NM_001142768.2); c.5497G>A, p.Glu1833Lys (NM_001142773.2); c.5500G>A, p.Glu1834Lys (NM_001354404.2); and 7 more; short protein forms E1856K, E1816K, E1836K, E1787K, E1834K, E1863K, E1833K, E1853K.
Identifiers: ClinVar variation 300168 (VCV000300168.7), dbSNP rs371269732, ClinGen allele CA5505009.

ClinVar aggregate classification (germline): Conflicting classifications of pathogenicity. Review status: criteria provided, conflicting classifications (1 of 4 stars). 3 submissions from 3 submitters: Uncertain significance (2); Likely benign (1). Last evaluated 2026-06-15.

Conditions:
Inborn genetic diseases. Identifiers: MedGen C0950123, MeSH D030342.
Usher syndrome type 1 (USH1). Also called: RETINITIS PIGMENTOSA AND CONGENITAL DEAFNESS. Identifiers: Orphanet 231169, Orphanet 886, MedGen C1568247, MONDO:0010168, OMIM 276900.

Allele frequency attached by ClinVar (database versions not stated): gnomAD exomes 0.00002 and 0.00001; ESP Exome Variant Server 0.00008; ExAC 0.00002; gnomAD 0.00003; TOPMed 0.00001.
gnomAD v4.1: 16 of 1,613,848 alleles (0.00099%); highest among the groups gnomAD compares: Admixed American, 0.0017%; no homozygotes.

Submissions (3):

Women's Health and Genetics/Laboratory Corporation of America, LabCorp
Classification: Uncertain significance. Last evaluated: 2026-06-15. Review status: criteria provided, single submitter. Criteria: LabCorp Variant Classification Summary - May 2015. Collection method: clinical testing. Allele origin: germline.
Comment: Variant summary: PCDH15 c.5566G>A (p.Glu1856Lys) results in a conservative amino acid change in the encoded protein sequence. Algorithms developed to predict the effect of missense changes on protein structure and function all suggest that this variant is likely to be tolerated. The variant allele was found at a frequency of 2.4e-05 in 251390 control chromosomes. The available data on variant occurrences in the general population are insufficient to allow any conclusion about variant significance. To our knowledge, no occurrence of c.5566G>A in individuals affected with PCDH15-related conditions and no experimental evidence demonstrating its impact on protein function have been reported. ClinVar contains an entry for this variant (Variation ID: 300168). Based on the evidence outlined above, the variant was classified as uncertain significance.

Ambry Genetics
Classification: Likely benign for Inborn genetic diseases. Last evaluated: 2025-05-15. Review status: criteria provided, single submitter. Criteria: Ambry Variant Classification Scheme 2023. Collection method: clinical testing. Allele origin: germline.

Illumina Laboratory Services, Illumina
Classification: Uncertain significance for Usher syndrome type 1. Last evaluated: 2018-01-13. Review status: criteria provided, single submitter. Criteria: ICSL Variant Classification Criteria 13 December 2019. Collection method: clinical testing. Allele origin: germline.